The following is an entry in ClinVar:

NM_015338.6(ASXL1):c.1834A>G (p.Arg612Gly)

Gene: ASXL1 (ASXL transcriptional regulator 1; plus strand). Cytogenetic location: 20q11.21.
Variant type: single nucleotide variant.
Coding change: c.1834A>G on transcript NM_015338.6 (MANE Select); coding-DNA position 1834, A replaced by G.
Protein change: p.Arg612Gly; replaces arginine 612 with glycine.
Molecular consequence: missense variant.
Genome position (GRCh38, 1-based): chr20:32,434,546, A>G. VCF-style: chr20-32434546-A-G. GRCh37 (hg19) VCF-style: chr20-31022349-A-G.
Other names: c.1651A>G, p.Arg551Gly (NM_001363734.1); short protein forms R612G, R551G.
Identifiers: ClinVar variation 4843664 (VCV004843664.1).
Genomic context (GRCh38, chr20:32,434,546, plus strand): 5'-CAGATATGCCCCCGGATCATCCCCACCACGGAGTCCTCCTGCCGGGGTTGGACTGGCGCC[A>G]GGACCCTCGCAGACATTAAAGCCCGTGCTCTGCAGGTCCGAGGGGCGAGAGGTCACCACT-3'
Protein context (NP_056153.2, residues 602-622): ESSCRGWTGA[Arg612Gly]TLADIKARAL

ClinVar aggregate classification (germline): Uncertain significance (1 of 4 stars; one submission).

Conditions:
Inborn genetic diseases. Identifiers: MedGen C0950123, MeSH D030342.

Submission:

Ambry Genetics
Classification: Uncertain significance for Inborn genetic diseases. Last evaluated: 2026-01-03. Review status: criteria provided, single submitter. Criteria: Ambry Variant Classification Scheme 2023. Collection method: clinical testing. Allele origin: germline.
Comment: The p.R612G variant (also known as c.1834A>G), located in coding exon 13 of the ASXL1 gene, results from an A to G substitution at nucleotide position 1834. The arginine at codon 612 is replaced by glycine, an amino acid with dissimilar properties. This amino acid position is conserved. In addition, the in silico prediction for this alteration is inconclusive. Based on the available evidence, the clinical significance of this variant remains unclear.